The following is an entry in ClinVar:

NM_000204.5(CFI):c.1111G>A (p.Gly371Ser)

Gene: CFI (complement factor I; minus strand). Cytogenetic location: 4q25.
Variant type: single nucleotide variant.
Coding change: c.1111G>A on transcript NM_000204.5 (MANE Select); coding-DNA position 1111, G replaced by A.
Protein change: p.Gly371Ser; replaces glycine 371 with serine.
Molecular consequence: missense variant. On other transcripts: non-coding transcript variant (3).
Genome position (GRCh38, 1-based): chr4:109,749,255, C>T on the plus strand (G>A on the coding strand, the complement: CFI is on the minus strand). VCF-style: chr4-109749255-C-T. GRCh37 (hg19) VCF-style: chr4-110670411-C-T.
Other names: c.1135G>A, p.Gly379Ser (NM_001318057.2, NM_001375278.1); c.1090G>A, p.Gly364Ser (NM_001331035.2, NM_001375280.1, NM_001375282.1); c.1111G>A, p.Gly371Ser (NM_001375279.1, NM_001375281.1); c.1054G>A, p.Gly352Ser (NM_001375283.1); c.502G>A, p.Gly168Ser (NM_001375284.1); short protein forms G364S, G352S, G371S, G379S, G168S.
Identifiers: ClinVar variation 2397798 (VCV002397798.7), dbSNP rs978550738, ClinGen allele CA103690810.

ClinVar aggregate classification (germline): Conflicting classifications of pathogenicity. Review status: criteria provided, conflicting classifications (1 of 4 stars). 4 submissions from 4 submitters: Likely pathogenic (1); Uncertain significance (3). Last evaluated 2026-09-17.

Conditions:
C3 glomerulonephritis. Also called: C3 GLOMERULOPATHY 3; Nephropathy due to CFHR5 Deficiency. Identifiers: Orphanet 329931, MedGen C4055342, MONDO:0013892, OMIM 614809.
Inborn genetic diseases. Identifiers: MedGen C0950123, MeSH D030342.

Allele frequency attached by ClinVar (database versions not stated): TOPMed below 0.00001.
gnomAD v4.1: 2 of 1,614,110 alleles (0.00012%); highest among the groups gnomAD compares: Non-Finnish European, 0.00017%; no homozygotes.

Submissions (4):

Genomenon, Inc
Classification: Likely pathogenic for C3 glomerulonephritis. Last evaluated: 2026-09-17. Review status: criteria provided, single submitter. Criteria: Genomenon Sequence Variant Interpretation Standards - Updated. Collection method: curation. Allele origin: germline. Affected: yes.
Comment: CFI p.Gly371Ser (c.1111G>A) is a missense variant that changes the amino acid at codon 371 from Glycine to Serine. This variant has been observed in at least one proband affected with C3 glomerulonephritis (PMID:35619721). This variant is located in a mutational hotspot and/or important functional domain. It is absent or not present at a significant frequency in gnomAD. In silico models predict that this variant is possibly or probably damaging. In conclusion, we classify CFI p.Gly371Ser (c.1111G>A) as a likely pathogenic variant.

Women's Health and Genetics/Laboratory Corporation of America, LabCorp
Classification: Uncertain significance. Last evaluated: 2026-02-16. Review status: criteria provided, single submitter. Criteria: LabCorp Variant Classification Summary - May 2015. Collection method: clinical testing. Allele origin: germline.
Comment: Variant summary: CFI c.1111G>A (p.Gly371Ser) results in a non-conservative amino acid change in the encoded protein sequence. Algorithms developed to predict the effect of missense changes on protein structure and function all suggest that this variant is likely to be disruptive. The variant was absent in 251404 control chromosomes (gnomAD). The available data on variant occurrences in the general population are insufficient to allow any conclusion about variant significance. c.1111G>A has been observed in at least one individual affected with C3 glomerulopathy (Zhang_2022). The report does not provide unequivocal conclusions about association of the variant with Factor I deficiency. To our knowledge, no experimental evidence demonstrating an impact on protein function has been reported. The following publications have been ascertained in the context of this evaluation (PMID: 38344720, 35619721). ClinVar contains an entry for this variant (Variation ID: 2397798). Based on the evidence outlined above, the variant was classified as uncertain significance.

Labcorp Genetics (formerly Invitae), Labcorp
Classification: Uncertain significance. Last evaluated: 2025-06-18. Review status: criteria provided, single submitter. Criteria: Invitae Variant Classification Sherloc (09022015). Collection method: clinical testing. Allele origin: germline.
Comment: This sequence change replaces glycine, which is neutral and non-polar, with serine, which is neutral and polar, at codon 371 of the CFI protein (p.Gly371Ser). This variant is not present in population databases (gnomAD no frequency). This missense change has been observed in individual(s) with CFI-related conditions (PMID: 35619721). ClinVar contains an entry for this variant (Variation ID: 2397798). Invitae Evidence Modeling of protein sequence and biophysical properties (such as structural, functional, and spatial information, amino acid conservation, physicochemical variation, residue mobility, and thermodynamic stability) indicates that this missense variant is expected to disrupt CFI protein function with a positive predictive value of 80%. In summary, the available evidence is currently insufficient to determine the role of this variant in disease. Therefore, it has been classified as a Variant of Uncertain Significance.

Ambry Genetics
Classification: Uncertain significance for Inborn genetic diseases. Last evaluated: 2021-06-18. Review status: criteria provided, single submitter. Criteria: Ambry Variant Classification Scheme 2023. Collection method: clinical testing. Allele origin: germline.

Literature cited by the submitters: PubMed 35619721 (cited by 3 submitters); PubMed 38344720 (cited by Women's Health and Genetics/Laboratory Corporation of America, LabCorp).